The following is an entry in ClinVar:

NM_001110556.2(FLNA):c.6177A>G (p.Glu2059=)

Gene: FLNA (filamin A; minus strand). Cytogenetic location: Xq28.
Variant type: single nucleotide variant.
Coding change: c.6177A>G on transcript NM_001110556.2 (MANE Select); coding-DNA position 6177, A replaced by G.
Protein change: p.Glu2059=; no amino-acid change (glutamic acid 2059 retained).
Molecular consequence: synonymous variant.
Genome position (GRCh38, 1-based): chrX:154,353,050, T>C on the plus strand (A>G on the coding strand, the complement: FLNA is on the minus strand). VCF-style: chrX-154353050-T-C. GRCh37 (hg19) VCF-style: chrX-153581418-T-C.
Other names: c.6153A>G, p.Glu2051= (NM_001456.4).
Identifiers: ClinVar variation 512638 (VCV000512638.31), dbSNP rs1557176106, ClinGen allele CA519706173.

ClinVar aggregate classification (germline): Likely benign. Review status: criteria provided, multiple submitters, no conflicts (2 of 4 stars). 4 submissions from 4 submitters: Likely benign (4). Last evaluated 2025-09-08.

Conditions:
Frontometaphyseal dysplasia (FMD1). Identifiers: Orphanet 1826, MedGen C0265293, MONDO:0015942.
Heterotopia, periventricular, X-linked dominant (PVNH1). Also called: X-linked periventricular heterotopia; PERIVENTRICULAR NODULAR HETEROTOPIA 4; HETEROTOPIA, PERIVENTRICULAR, 1; PERIVENTRICULAR NODULAR HETEROTOPIA 1. Identifiers: Orphanet 2149, Orphanet 82004, MedGen C1848213, MONDO:0010233, OMIM 300049.
Oto-palato-digital syndrome, type II (OPD2). Also called: Otopalatodigital Syndrome Type 2 (FLNA-OPD2); FACIOPALATOOSSEOUS SYNDROME; Otopalatodigital Syndrome, Type II; OPD II SYNDROME. Identifiers: Orphanet 669, Orphanet 90652, MedGen C1844696, MONDO:0010571, OMIM 304120.
Melnick-Needles syndrome (MNS). Also called: Melnick-Needles Syndrome (FLNA-MNS); MELNICK-NEEDLES OSTEODYSPLASTY; OSTEODYSPLASTY OF MELNICK AND NEEDLES. Identifiers: Orphanet 2484, MedGen C0025237, MONDO:0010650, OMIM 309350.
Familial thoracic aortic aneurysm and aortic dissection (TAAD). Also called: Thoracic aortic aneurysms and dissections. Identifiers: Orphanet 91387, MedGen C4707243, MONDO:0019625.

Allele frequency attached by ClinVar (database versions not stated): TOPMed 0.00001.

Submissions (4):

Labcorp Genetics (formerly Invitae), Labcorp
Classification: Likely benign for Oto-palato-digital syndrome, type II; Heterotopia, periventricular, X-linked dominant; Frontometaphyseal dysplasia; Melnick-Needles syndrome. Last evaluated: 2025-09-08. Review status: criteria provided, single submitter. Criteria: Invitae Variant Classification Sherloc (09022015). Collection method: clinical testing. Allele origin: germline.

CeGaT Center for Human Genetics Tuebingen
Classification: Likely benign. Last evaluated: 2024-05-01. Review status: criteria provided, single submitter. Criteria: CeGaT Center For Human Genetics Tuebingen Variant Classification Criteria Version 2. Collection method: clinical testing. Allele origin: germline. Affected: yes. Observed: 1 variant allele.
Comment: FLNA: PM2:Supporting, BP4, BP7

Ambry Genetics
Classification: Likely benign for Familial thoracic aortic aneurysm and aortic dissection. Last evaluated: 2017-12-12. Review status: criteria provided, single submitter. Criteria: Ambry Variant Classification Scheme 2023. Collection method: clinical testing. Allele origin: germline.

GeneDx
Classification: Likely benign. Last evaluated: 2017-10-19. Review status: criteria provided, single submitter. Criteria: GeneDx Variant Classification (06012015). Collection method: clinical testing. Allele origin: germline. Affected: yes.
Comment: This variant is considered likely benign or benign based on one or more of the following criteria: it is a conservative change, it occurs at a poorly conserved position in the protein, it is predicted to be benign by multiple in silico algorithms, and/or has population frequency not consistent with disease.